The following is an entry in ClinVar:

ClinVar aggregate classification (germline): Uncertain significance (1 of 4 stars; one submission).

Conditions:
Cardiovascular phenotype. Identifiers: MedGen CN230736.

Submission:

Ambry Genetics
Classification: Uncertain significance for Cardiovascular phenotype. Last evaluated: 2026-03-25. Review status: criteria provided, single submitter. Criteria: Ambry Variant Classification Scheme 2023. Collection method: clinical testing. Allele origin: germline.
Comment: The c.463+3A>G intronic variant results from an A to G substitution 3 nucleotides after coding exon 3 in the SCN4B gene. This nucleotide position is well conserved in available vertebrate species. In silico splice site analysis predicts that this alteration will weaken the native splice donor site. The evidence for this gene-disease relationship is limited; therefore, the clinical significance of this variant is unclear.

NM_174934.4(SCN4B):c.463+3A>G

Genes: SCN4B (sodium voltage-gated channel beta subunit 4; minus strand), LOC126861356 (BRD4-independent group 4 enhancer GRCh37_chr11:118014519-118015718; plus strand). Cytogenetic location: 11q23.3.
Variant type: single nucleotide variant.
Coding change: c.463+3A>G on transcript NM_174934.4 (MANE Select); 3 bases into the intron after coding-DNA position 463, A replaced by G.
Molecular consequence: intron variant.
Genome position (GRCh38, 1-based): chr11:118,143,830, T>C on the plus strand (A>G on the coding strand, the complement: SCN4B is on the minus strand). VCF-style: chr11-118143830-T-C. GRCh37 (hg19) VCF-style: chr11-118014545-T-C.
Other names: c.62-2494A>G (NM_001142348.2); c.133+3A>G (NM_001142349.2).
Identifiers: ClinVar variation 4864152 (VCV004864152.1).